The following is an entry in ClinVar:

NM_001267550.2(TTN):c.104369T>C (p.Leu34790Pro)

Genes: TTN-AS1 (TTN antisense RNA 1; plus strand), TTN (titin; minus strand). Cytogenetic location: 2q31.2.
Variant type: single nucleotide variant.
Coding change: c.104369T>C on transcript NM_001267550.2 (MANE Select); coding-DNA position 104369, T replaced by C.
Protein change: p.Leu34790Pro; replaces leucine 34790 with proline.
Molecular consequence: missense variant.
Genome position (GRCh38, 1-based): chr2:178,532,246, A>G on the plus strand (T>C on the coding strand, the complement: TTN is on the minus strand). VCF-style: chr2-178532246-A-G. GRCh37 (hg19) VCF-style: chr2-179396973-A-G.
Other names: c.99446T>C, p.Leu33149Pro (NM_001256850.1); c.77174T>C, p.Leu25725Pro (NM_003319.4); c.96665T>C, p.Leu32222Pro (NM_133378.4); c.77549T>C, p.Leu25850Pro (NM_133432.3); c.77750T>C, p.Leu25917Pro (NM_133437.4); short protein forms L32222P, L25917P, L33149P, L25725P, L25850P, L34790P.
Identifiers: ClinVar variation 1926779 (VCV001926779.8), dbSNP rs1689452294, ClinGen allele CA349411890.

ClinVar aggregate classification (germline): Uncertain significance. Review status: criteria provided, multiple submitters, no conflicts (2 of 4 stars). 2 submissions from 2 submitters: Uncertain significance (2). Last evaluated 2022-10-17.

Conditions:
Autosomal recessive limb-girdle muscular dystrophy type 2J (LGMDR10). Also called: Limb-girdle muscular dystrophy, type 2J; MUSCULAR DYSTROPHY, LIMB-GIRDLE, AUTOSOMAL RECESSIVE 10. Identifiers: Orphanet 140922, MedGen C1837342, MONDO:0012127, OMIM 608807.
Dilated cardiomyopathy 1G (CMD1G). Identifiers: Orphanet 154, MedGen C1858763, MONDO:0011400, OMIM 604145.

Allele frequency attached by ClinVar (database versions not stated): gnomAD exomes below 0.00001; TOPMed below 0.00001.
gnomAD v4.1: 2 of 1,613,690 alleles (0.00012%); highest among the groups gnomAD compares: Middle Eastern, 0.016%; no homozygotes.

Submissions (2):

Labcorp Genetics (formerly Invitae), Labcorp
Classification: Uncertain significance for Dilated cardiomyopathy 1G; Autosomal recessive limb-girdle muscular dystrophy type 2J. Last evaluated: 2022-10-17. Review status: criteria provided, single submitter. Criteria: Invitae Variant Classification Sherloc (09022015). Collection method: clinical testing. Allele origin: germline.
Comment: This variant has not been reported in the literature in individuals affected with TTN-related conditions. In summary, the available evidence is currently insufficient to determine the role of this variant in disease. Therefore, it has been classified as a Variant of Uncertain Significance. This variant is located in the M band of TTN (PMID: 25589632). Variants in this region may be relevant for neuromuscular disorders, but have not been definitively shown to cause cardiomyopathy (PMID: 23975875). Experimental studies and prediction algorithms are not available or were not evaluated, and the functional significance of this variant is currently unknown. This variant is not present in population databases (gnomAD no frequency). This sequence change replaces leucine, which is neutral and non-polar, with proline, which is neutral and non-polar, at codon 34790 of the TTN protein (p.Leu34790Pro).

Revvity Omics, Revvity
Classification: Uncertain significance. Last evaluated: 2020-08-07. Review status: criteria provided, single submitter. Criteria: ACMG Guidelines, 2015. Collection method: clinical testing. Allele origin: germline.

Literature cited by the submitters: PubMed 25589632 (cited by Labcorp Genetics (formerly Invitae), Labcorp); PubMed 23975875 (cited by Labcorp Genetics (formerly Invitae), Labcorp).